The following is an entry in ClinVar:

NM_054012.4(ASS1):c.688+10C>T

Gene: ASS1 (argininosuccinate synthase 1; plus strand). Cytogenetic location: 9q34.11.
Variant type: single nucleotide variant.
Coding change: c.688+10C>T on transcript NM_054012.4 (MANE Select); 10 bases into the intron after coding-DNA position 688, C replaced by T.
Molecular consequence: intron variant.
Genome position (GRCh38, 1-based): chr9:130,476,971, C>T. VCF-style: chr9-130476971-C-T. GRCh37 (hg19) VCF-style: chr9-133352358-C-T.
Other names: c.688+10C>T (NM_000050.4).
Identifiers: ClinVar variation 382058 (VCV000382058.6), dbSNP rs890497211, ClinGen allele CA16605628.

ClinVar aggregate classification (germline): Likely benign. Review status: criteria provided, multiple submitters, no conflicts (2 of 4 stars). 2 submissions from 2 submitters: Likely benign (2). Last evaluated 2023-02-26.

Conditions:
Citrullinemia. Identifiers: Orphanet 187, MedGen C0175683, MONDO:0015991.

Allele frequency attached by ClinVar (database versions not stated): gnomAD exomes below 0.00001; gnomAD 0.00002 and 0.00003; TOPMed 0.00002.
gnomAD v4.1: 5 of 1,612,278 alleles (0.00031%); highest among the groups gnomAD compares: African/African-American, 0.0053%; no homozygotes.

Submissions (2):

Labcorp Genetics (formerly Invitae), Labcorp
Classification: Likely benign for Citrullinemia. Last evaluated: 2023-02-26. Review status: criteria provided, single submitter. Criteria: Invitae Variant Classification Sherloc (09022015). Collection method: clinical testing. Allele origin: germline.

GeneDx
Classification: Likely benign. Last evaluated: 2016-01-28. Review status: criteria provided, single submitter. Criteria: GeneDx Variant Classification (06012015). Collection method: clinical testing. Allele origin: germline. Affected: yes.
Comment: This variant is considered likely benign or benign based on one or more of the following criteria: it is a conservative change, it occurs at a poorly conserved position in the protein, it is predicted to be benign by multiple in silico algorithms, and/or has population frequency not consistent with disease.